The following is an entry in ClinVar:

NM_001354604.2(MITF):c.617A>G (p.Glu206Gly)

Gene: MITF (melanocyte inducing transcription factor; plus strand). Cytogenetic location: 3p13.
Variant type: single nucleotide variant.
Coding change: c.617A>G on transcript NM_001354604.2 (MANE Select); coding-DNA position 617, A replaced by G.
Protein change: p.Glu206Gly; replaces glutamic acid 206 with glycine.
Molecular consequence: missense variant.
Genome position (GRCh38, 1-based): chr3:69,939,132, A>G. VCF-style: chr3-69939132-A-G. GRCh37 (hg19) VCF-style: chr3-69988283-A-G.
Other names: c.614A>G, p.Glu205Gly (NM_006722.3, NM_001354605.2, NM_001354606.2); c.296A>G, p.Glu99Gly (NM_198158.3, NM_000248.4); c.617A>G, p.Glu206Gly (NM_198159.3); c.569A>G, p.Glu190Gly (NM_198177.3); c.128A>G, p.Glu43Gly (NM_198178.3); c.461A>G, p.Glu154Gly (NM_001184967.2, NM_001354608.2); c.566A>G, p.Glu189Gly (NM_001354607.2); short protein forms E43G, E206G, E154G, E189G, E190G, E205G, E99G.
Identifiers: ClinVar variation 4055221 (VCV004055221.1).
Genomic context (GRCh38, chr3:69,939,132, plus strand): 5'-GACTGTTTTTGCTTGTGTTTTTGCAGGGATTTTATAAGTTTGAAGAGCAAAACAGGGCAG[A>G]GAGCGAGTGCCCAGGCATGAACACACATTCACGAGCGTCCTGTATGCAGGTACTGAATGA-3'
Protein context (NP_001341533.1, residues 196-216): FYKFEEQNRA[Glu206Gly]SECPGMNTHS

ClinVar aggregate classification (germline): Uncertain significance (1 of 4 stars; one submission).

Conditions:
Hereditary cancer-predisposing syndrome. Also called: Neoplastic Syndromes, Hereditary; Tumor predisposition; Hereditary neoplastic syndrome; Hereditary Cancer Syndrome. Identifiers: Orphanet 140162, MedGen C0027672, MeSH D009386, MONDO:0015356.

Submission:

Ambry Genetics
Classification: Uncertain significance for Hereditary cancer-predisposing syndrome. Last evaluated: 2025-05-31. Review status: criteria provided, single submitter. Criteria: Ambry Variant Classification Scheme 2023. Collection method: clinical testing. Allele origin: germline.
Comment: The p.E99G variant (also known as c.296A>G), located in coding exon 3 of the MITF gene, results from an A to G substitution at nucleotide position 296. The glutamic acid at codon 99 is replaced by glycine, an amino acid with similar properties. This amino acid position is conserved. In addition, the in silico prediction for this alteration is inconclusive. Based on the available evidence, the clinical significance of this variant remains unclear.